The following is an entry in ClinVar:

NM_001267550.2(TTN):c.91721A>T (p.Glu30574Val)

Genes: TTN (titin; minus strand), TTN-AS1 (TTN antisense RNA 1; plus strand). Cytogenetic location: 2q31.2.
Variant type: single nucleotide variant.
Coding change: c.91721A>T on transcript NM_001267550.2 (MANE Select); coding-DNA position 91721, A replaced by T.
Protein change: p.Glu30574Val; replaces glutamic acid 30574 with valine.
Molecular consequence: missense variant.
Genome position (GRCh38, 1-based): chr2:178,550,117, T>A on the plus strand (A>T on the coding strand, the complement: TTN is on the minus strand). VCF-style: chr2-178550117-T-A. GRCh37 (hg19) VCF-style: chr2-179414844-T-A.
Other names: c.86798A>T, p.Glu28933Val (NM_001256850.1); c.64526A>T, p.Glu21509Val (NM_003319.4); c.84017A>T, p.Glu28006Val (NM_133378.4); c.64901A>T, p.Glu21634Val (NM_133432.3); c.65102A>T, p.Glu21701Val (NM_133437.4); short protein forms E21509V, E21634V, E21701V, E28006V, E28933V, E30574V.
Identifiers: ClinVar variation 1315454 (VCV001315454.5), dbSNP rs1308285808, ClinGen allele CA349497512.
Genomic context (GRCh38, chr2:178,550,117, plus strand): 5'-CGATGGTCCCGAGTAGCATCTCTAACAAATAGGCTGGTGGATCCAAGTACGTCGGTTATT[T>A]CCATATTCATCCTCTTTTCGATTTCCACTCCATCTTTGAACCAAGTTACTCGAGGCACTG-3'
Protein context (NP_001254479.2, residues 30564-30584): GVEIEKRMNM[Glu30574Val]ITDVLGSTSL

ClinVar aggregate classification (germline): Uncertain significance. Review status: criteria provided, multiple submitters, no conflicts (2 of 4 stars). 3 submissions from 3 submitters: Uncertain significance (3). Last evaluated 2026-08-17.

Conditions:
SUDDEN INFANT DEATH SYNDROME (SIDS). Also called: Sudden Infant Death. Identifiers: MedGen C0038644, MeSH D013398, OMIM 272120.
TTN-related disorder. Also called: TTN-related disorders; TTN-related condition; TTN-related disease.

Allele frequency attached by ClinVar (database versions not stated): TOPMed 0.00001; gnomAD exomes below 0.00001.
gnomAD v4.1: 3 of 1,613,824 alleles (0.00019%); no homozygotes.

Submissions (3):

PreventionGenetics, part of Exact Sciences
Classification: Uncertain significance for TTN-related condition. Last evaluated: 2026-08-17. Review status: criteria provided, single submitter. Criteria: ACMG Guidelines, 2015. Collection method: clinical testing. Allele origin: germline.
Comment: The TTN c.91721A>T variant is predicted to result in the amino acid substitution p.Glu30574Val. This variant has been reported in a child with sudden unexpected death (Koh et al. 2022. PubMed ID: 35027292). This variant is reported in one out of ~248960 alleles in gnomAD. At this time, the clinical significance of this variant is uncertain due to the absence of conclusive functional and genetic evidence.

Robert's Program, Boston Children's Hospital
Classification: Uncertain significance for SUDDEN INFANT DEATH SYNDROME. Last evaluated: 2021-10-01. Review status: criteria provided, single submitter. Criteria: ACMG Guidelines, 2015. Collection method: research. Allele origin: germline. Affected: yes.
Comment: We classify this variant as a variant of uncertain significance using ACMG/AMP criteria. As this variant is a deleterious splicing variant, we suspect this variant is favoring pathogenic.

GeneDx
Classification: Uncertain significance. Last evaluated: 2020-02-11. Review status: criteria provided, single submitter. Criteria: GeneDx Variant Classification Process June 2021. Collection method: clinical testing. Allele origin: germline. Affected: yes.
Comment: Has not been previously published as pathogenic or benign to our knowledge; Not observed at a significant frequency in large population cohorts (Lek et al., 2016); In silico analysis supports that this missense variant has a deleterious effect on splicing; Located in the A-band region of titin, where the majority of truncating pathogenic variants associated with DCM have been reported (Herman et al., 2012)